The following is an entry in ClinVar:

NM_000535.7(PMS2):c.1126C>T (p.Pro376Ser)

Gene: PMS2 (PMS1 homolog 2, mismatch repair system component; minus strand). Cytogenetic location: 7p22.1.
Variant type: single nucleotide variant.
Coding change: c.1126C>T on transcript NM_000535.7 (MANE Select); coding-DNA position 1126, C replaced by T.
Protein change: p.Pro376Ser; replaces proline 376 with serine.
Molecular consequence: missense variant. On other transcripts: non-coding transcript variant (1), intron variant (2).
Genome position (GRCh38, 1-based): chr7:5,989,818, G>A on the plus strand (C>T on the coding strand, the complement: PMS2 is on the minus strand). VCF-style: chr7-5989818-G-A. GRCh37 (hg19) VCF-style: chr7-6029449-G-A.
Other names: p.P376S:CCA>TCA; c.721C>T, p.Pro241Ser (NM_001322003.2, NM_001322004.2, NM_001322005.2 and 1 more transcripts); c.808C>T, p.Pro270Ser (NM_001322007.2, NM_001322008.2); c.193C>T, p.Pro65Ser (NM_001322011.2, NM_001322012.2); c.553C>T, p.Pro185Ser (NM_001322013.2); c.1126C>T, p.Pro376Ser (NM_001322014.2); c.817C>T, p.Pro273Ser (NM_001322015.2); c.583+2155C>T (NM_001322010.2); and 1 more; short protein forms P376S, P185S, P241S, P270S, P65S, P273S.
Identifiers: ClinVar variation 182803 (VCV000182803.31), dbSNP rs730881911, ClinGen allele CA009210.

ClinVar aggregate classification (germline): Uncertain significance. Review status: criteria provided, multiple submitters, no conflicts (2 of 4 stars). 7 submissions from 7 submitters: Uncertain significance (7). Last evaluated 2025-11-23.

Conditions:
Hereditary nonpolyposis colorectal neoplasms. Identifiers: MedGen C0009405, MeSH D003123.
Hereditary cancer-predisposing syndrome. Also called: Tumor predisposition; Hereditary Cancer Syndrome; Hereditary neoplastic syndrome; Neoplastic Syndromes, Hereditary. Identifiers: Orphanet 140162, MedGen C0027672, MeSH D009386, MONDO:0015356.
Lynch syndrome. Identifiers: Orphanet 144, MedGen C4552100, MONDO:0005835. Disease mechanism: loss of function.
Lynch syndrome 4 (LYNCH4). Also called: Colorectal cancer, hereditary nonpolyposis, type 4; Hereditary non-polyposis colorectal cancer, type 4. Identifiers: Orphanet 144, MedGen C1838333, MONDO:0013699, OMIM 614337. Disease mechanism: loss of function.

Allele frequency attached by ClinVar (database versions not stated): ExAC 0.00001; gnomAD 0.00001; gnomAD exomes 0.00001; TOPMed 0.00001.
gnomAD v4.1: 23 of 1,612,042 alleles (0.0014%); highest among the groups gnomAD compares: East Asian, 0.0022%; no homozygotes.

Submissions (7):

Labcorp Genetics (formerly Invitae), Labcorp
Classification: Uncertain significance for Hereditary nonpolyposis colorectal neoplasms. Last evaluated: 2025-11-23. Review status: criteria provided, single submitter. Criteria: Invitae Variant Classification Sherloc (09022015). Collection method: clinical testing. Allele origin: germline.
Comment: This sequence change replaces proline, which is neutral and non-polar, with serine, which is neutral and polar, at codon 376 of the PMS2 protein (p.Pro376Ser). This variant is present in population databases (rs730881911, gnomAD 0.005%). This variant has not been reported in the literature in individuals affected with PMS2-related conditions. ClinVar contains an entry for this variant (Variation ID: 182803). Invitae Evidence Modeling incorporating data from in vitro experimental studies (internal data) indicates that this missense variant is not expected to disrupt PMS2 function with a negative predictive value of 95%. In summary, the available evidence is currently insufficient to determine the role of this variant in disease. Therefore, it has been classified as a Variant of Uncertain Significance.

Ambry Genetics
Classification: Uncertain significance for Hereditary cancer-predisposing syndrome. Last evaluated: 2025-01-02. Review status: criteria provided, single submitter. Criteria: Ambry Variant Classification Scheme 2023. Collection method: clinical testing. Allele origin: germline.
Comment: The p.P376S variant (also known as c.1126C>T), located in coding exon 10 of the PMS2 gene, results from a C to T substitution at nucleotide position 1126. The proline at codon 376 is replaced by serine, an amino acid with similar properties. This amino acid position is well conserved in available vertebrate species. In addition, the in silico prediction for this alteration is inconclusive. Since supporting evidence is limited at this time, the clinical significance of this alteration remains unclear.

All of Us Research Program, National Institutes of Health
Classification: Uncertain significance for Lynch syndrome. Last evaluated: 2024-07-20. Review status: criteria provided, single submitter. Criteria: ACMG Guidelines, 2015. Collection method: clinical testing. Allele origin: germline. Inheritance: Autosomal dominant inheritance. Observed: 7 variant alleles, 7 heterozygotes.
Comment: This missense variant replaces proline with serine at codon 376 of the PMS2 protein. Computational prediction is inconclusive regarding the impact of this variant on protein structure and function (internally defined REVEL score threshold 0.5 < inconclusive < 0.7, PMID: 27666373). To our knowledge, functional studies have not been reported for this variant. This variant has not been reported in individuals affected with PMS2-related disorders in the literature. This variant has been identified in 4/282686 chromosomes in the general population by the Genome Aggregation Database (gnomAD). The available evidence is insufficient to determine the role of this variant in disease conclusively. Therefore, this variant is classified as a Variant of Uncertain Significance.

This study involves interpretation of variants in research participants for the purpose of population health screening. Participant phenotype was not available at the time of variant classification. Additional details can be found in publication PMID: 35346344, PMCID: PMC8962531

Color Diagnostics, LLC DBA Color Health
Classification: Uncertain significance for Hereditary cancer-predisposing syndrome. Last evaluated: 2024-07-10. Review status: criteria provided, single submitter. Criteria: ACMG Guidelines, 2015. Collection method: clinical testing. Allele origin: germline.
Comment: This missense variant replaces proline with serine at codon 376 of the PMS2 protein. Computational prediction is inconclusive regarding the impact of this variant on protein structure and function (internally defined REVEL score threshold 0.5 < inconclusive < 0.7, PMID: 27666373). To our knowledge, functional studies have not been reported for this variant. This variant has not been reported in individuals affected with PMS2-related disorders in the literature. This variant has been identified in 4/282686 chromosomes in the general population by the Genome Aggregation Database (gnomAD). The available evidence is insufficient to determine the role of this variant in disease conclusively. Therefore, this variant is classified as a Variant of Uncertain Significance.

Baylor Genetics
Classification: Uncertain significance for Lynch syndrome 4. Last evaluated: 2024-03-21. Review status: criteria provided, single submitter. Criteria: ACMG Guidelines, 2015. Collection method: clinical testing. Allele origin: unknown.

GeneDx
Classification: Uncertain significance. Last evaluated: 2023-08-10. Review status: criteria provided, single submitter. Criteria: GeneDx Variant Classification Process June 2021. Collection method: clinical testing. Allele origin: germline. Affected: yes.
Comment: In silico analysis supports that this missense variant does not alter protein structure/function; Has not been previously published as pathogenic or benign to our knowledge

Women's Health and Genetics/Laboratory Corporation of America, LabCorp
Classification: Uncertain significance. Last evaluated: 2020-07-16. Review status: criteria provided, single submitter. Criteria: LabCorp Variant Classification Summary - May 2015. Collection method: clinical testing. Allele origin: germline.
Comment: Variant summary: PMS2 c.1126C>T (p.Pro376Ser) results in a non-conservative amino acid change in the encoded protein sequence. Four of five in-silico tools predict a benign effect of the variant on protein function. The variant allele was found at a frequency of 1.2e-05 in 251302 control chromosomes (gnomAD). The available data on variant occurrences in the general population are insufficient to allow any conclusion about variant significance. To our knowledge, no occurrence of c.1126C>T in individuals affected with Lynch Syndrome and no experimental evidence demonstrating its impact on protein function have been reported. Four ClinVar submitters (evaluation after 2014) cite the variant as uncertain significance. Based on the evidence outlined above, the variant was classified as uncertain significance.